The following is an entry in ClinVar:

ClinVar aggregate classification (germline): Likely pathogenic (1 of 4 stars; one submission).

Conditions:
T-B+ severe combined immunodeficiency due to JAK3 deficiency. Also called: SCID, autosomal recessive, T-negative/B-positive type; SCID, T CELL-NEGATIVE, B CELL-POSITIVE, NK CELL-NEGATIVE. Identifiers: Orphanet 35078, MedGen C1833275, MONDO:0010938, OMIM 600802.

Submission:

Labcorp Genetics (formerly Invitae), Labcorp
Classification: Likely pathogenic for T-B+ severe combined immunodeficiency due to JAK3 deficiency. Last evaluated: 2022-07-06. Review status: criteria provided, single submitter. Criteria: Invitae Variant Classification Sherloc (09022015). Collection method: clinical testing. Allele origin: germline.
Comment: In summary, the currently available evidence indicates that the variant is pathogenic, but additional data are needed to prove that conclusively. Therefore, this variant has been classified as Likely Pathogenic. Algorithms developed to predict the effect of sequence changes on RNA splicing suggest that this variant may disrupt the consensus splice site. ClinVar contains an entry for this variant (Variation ID: 1066836). This variant has not been reported in the literature in individuals affected with JAK3-related conditions. This variant is not present in population databases (gnomAD no frequency). This sequence change affects a donor splice site in intron 18 of the JAK3 gene. It is expected to disrupt RNA splicing. Variants that disrupt the donor or acceptor splice site typically lead to a loss of protein function (PMID: 16199547), and loss-of-function variants in JAK3 are known to be pathogenic (PMID: 7481768, 11668621).

Literature cited by the submitters: PubMed 16199547; PubMed 7481768; PubMed 11668621.

NM_000215.4(JAK3):c.2490+1G>T

Gene: JAK3 (Janus kinase 3; minus strand). Cytogenetic location: 19p13.11.
Variant type: single nucleotide variant.
Coding change: c.2490+1G>T on transcript NM_000215.4 (MANE Select); the canonical splice donor site of the intron after coding-DNA position 2490, G replaced by T.
Molecular consequence: splice donor variant.
Genome position (GRCh38, 1-based): chr19:17,832,789, C>A on the plus strand (G>T on the coding strand, the complement: JAK3 is on the minus strand). VCF-style: chr19-17832789-C-A. GRCh37 (hg19) VCF-style: chr19-17943598-C-A.
Identifiers: ClinVar variation 1066836 (VCV001066836.7), dbSNP rs2147678827, ClinGen allele CA404766639.